The following is an entry in ClinVar:

NM_004984.4(KIF5A):c.809C>G (p.Ala270Gly)

Gene: KIF5A (kinesin family member 5A; plus strand). Cytogenetic location: 12q13.3.
Variant type: single nucleotide variant.
Coding change: c.809C>G on transcript NM_004984.4 (MANE Select); coding-DNA position 809, C replaced by G.
Protein change: p.Ala270Gly; replaces alanine 270 with glycine.
Molecular consequence: missense variant.
Genome position (GRCh38, 1-based): chr12:57,569,057, C>G. VCF-style: chr12-57569057-C-G. GRCh37 (hg19) VCF-style: chr12-57962840-C-G.
Other names: c.542C>G, p.Ala181Gly (NM_001354705.2); short protein forms A181G, A270G.
Identifiers: ClinVar variation 2698412 (VCV002698412.3), dbSNP rs2540499474, ClinGen allele CA385500310.

ClinVar aggregate classification (germline): Uncertain significance (1 of 4 stars; one submission).

Conditions:
Spastic paraplegia. Identifiers: MedGen C0037772, HP:0001258.

Submission:

Labcorp Genetics (formerly Invitae), Labcorp
Classification: Uncertain significance for Spastic paraplegia. Last evaluated: 2023-11-24. Review status: criteria provided, single submitter. Criteria: Invitae Variant Classification Sherloc (09022015). Collection method: clinical testing. Allele origin: germline.
Comment: This sequence change replaces alanine, which is neutral and non-polar, with glycine, which is neutral and non-polar, at codon 270 of the KIF5A protein (p.Ala270Gly). This variant is not present in population databases (gnomAD no frequency). This variant has not been reported in the literature in individuals affected with KIF5A-related conditions. Advanced modeling of protein sequence and biophysical properties (such as structural, functional, and spatial information, amino acid conservation, physicochemical variation, residue mobility, and thermodynamic stability) has been performed at Invitae for this missense variant, however the output from this modeling did not meet the statistical confidence thresholds required to predict the impact of this variant on KIF5A protein function. Algorithms developed to predict the effect of sequence changes on RNA splicing suggest that this variant may disrupt the consensus splice site. In summary, the available evidence is currently insufficient to determine the role of this variant in disease. Therefore, it has been classified as a Variant of Uncertain Significance.